The following is an entry in ClinVar:

NM_002579.3(PALM):c.71G>A (p.Arg24Gln)

Gene: PALM (paralemmin; plus strand). Cytogenetic location: 19p13.3.
Variant type: single nucleotide variant.
Coding change: c.71G>A on transcript NM_002579.3 (MANE Select); coding-DNA position 71, G replaced by A.
Protein change: p.Arg24Gln; replaces arginine 24 with glutamine.
Molecular consequence: missense variant.
Genome position (GRCh38, 1-based): chr19:727,021, G>A. VCF-style: chr19-727021-G-A. GRCh37 (hg19) VCF-style: chr19-727021-G-A.
Other names: c.71G>A, p.Arg24Gln (NM_001040134.2); c.71G>A (NM_002579.2); short protein forms R24Q.
Identifiers: ClinVar variation 431724 (VCV000431724.10), dbSNP rs201995410, ClinGen allele CA9022417.

ClinVar aggregate classification (germline): Uncertain significance. Review status: criteria provided, multiple submitters, no conflicts (2 of 4 stars). 3 submissions from 3 submitters: Uncertain significance (3). Last evaluated 2025-10-17.

Conditions:
atypical cerebral palsy.

Allele frequency attached by ClinVar (database versions not stated): TOPMed 0.00046; gnomAD 0.00052 and 0.00055; ExAC 0.00053; 1000 Genomes Project 30x 0.00016; 1000 Genomes Project 0.00020; gnomAD exomes 0.00042 and 0.00120; ESP Exome Variant Server 0.00081.
gnomAD v4.1: 1,325 of 1,194,832 alleles (0.11%); highest among the groups gnomAD compares: Non-Finnish European, 0.14%; no homozygotes.

Submissions (3):

Labcorp Genetics (formerly Invitae), Labcorp
Classification: Uncertain significance. Last evaluated: 2025-10-17. Review status: criteria provided, single submitter. Criteria: Invitae Variant Classification Sherloc (09022015). Collection method: clinical testing. Allele origin: germline.
Comment: This sequence change replaces arginine, which is basic and polar, with glutamine, which is neutral and polar, at codon 24 of the PALM protein (p.Arg24Gln). This variant is present in population databases (rs201995410, gnomAD 0.1%), and has an allele count higher than expected for a pathogenic variant. This missense change has been observed in individual(s) with loss or impairment of motor function (PMID: 30542205). ClinVar contains an entry for this variant (Variation ID: 431724). An algorithm developed to predict the effect of missense changes on protein structure and function (PolyPhen-2) suggests that this variant is likely to be tolerated. In summary, the available evidence is currently insufficient to determine the role of this variant in disease. Therefore, it has been classified as a Variant of Uncertain Significance.

Ambry Genetics
Classification: Uncertain significance. Last evaluated: 2021-08-09. Review status: criteria provided, single submitter. Criteria: Ambry Variant Classification Scheme 2023. Collection method: clinical testing. Allele origin: germline.

TIDEX, University of British Columbia
Classification: Uncertain significance for atypical cerebral palsy. Review status: criteria provided, single submitter. Criteria: ACMG Guidelines, 2015. Collection method: research. Allele origin: paternal. Inheritance: Autosomal recessive inheritance. Affected: yes.

Literature cited by the submitters: PubMed 30542205 (cited by Labcorp Genetics (formerly Invitae), Labcorp).